The following is an entry in ClinVar:

NM_014049.5(ACAD9):c.538C>T (p.Leu180Phe)

Gene: ACAD9 (acyl-CoA dehydrogenase family member 9; plus strand). Cytogenetic location: 3q21.3.
Variant type: single nucleotide variant.
Coding change: c.538C>T on transcript NM_014049.5 (MANE Select); coding-DNA position 538, C replaced by T.
Protein change: p.Leu180Phe; replaces leucine 180 with phenylalanine.
Molecular consequence: missense variant. On other transcripts: non-coding transcript variant (1).
Genome position (GRCh38, 1-based): chr3:128,896,520, C>T. VCF-style: chr3-128896520-C-T. GRCh37 (hg19) VCF-style: chr3-128615363-C-T.
Other names: p.L180F:CTC>TTC; short protein forms L180F.
Identifiers: ClinVar variation 213997 (VCV000213997.10), dbSNP rs146453758, ClinGen allele CA325201.

ClinVar aggregate classification (germline): Uncertain significance. Review status: criteria provided, multiple submitters, no conflicts (2 of 4 stars). 3 submissions from 3 submitters: Uncertain significance (3). Last evaluated 2024-11-12.

Allele frequency attached by ClinVar (database versions not stated): gnomAD 0.00004; TOPMed 0.00004; ESP Exome Variant Server 0.00015; ExAC 0.00004; gnomAD exomes 0.00005 and 0.00007.

Submissions (3):

GeneDx
Classification: Uncertain significance. Last evaluated: 2024-11-12. Review status: criteria provided, single submitter. Criteria: GeneDx Variant Classification Process June 2021. Collection method: clinical testing. Allele origin: germline. Affected: yes.
Comment: Not observed at significant frequency in large population cohorts (gnomAD); In silico analysis supports that this missense variant has a deleterious effect on protein structure/function; Has not been previously published as pathogenic or benign to our knowledge; This variant is associated with the following publications: (PMID: 38256023)

Labcorp Genetics (formerly Invitae), Labcorp
Classification: Uncertain significance. Last evaluated: 2024-09-18. Review status: criteria provided, single submitter. Criteria: Invitae Variant Classification Sherloc (09022015). Collection method: clinical testing. Allele origin: germline.
Comment: This sequence change replaces leucine, which is neutral and non-polar, with phenylalanine, which is neutral and non-polar, at codon 180 of the ACAD9 protein (p.Leu180Phe). This variant is present in population databases (rs146453758, gnomAD 0.008%). This variant has not been reported in the literature in individuals affected with ACAD9-related conditions. ClinVar contains an entry for this variant (Variation ID: 213997). Invitae Evidence Modeling of protein sequence and biophysical properties (such as structural, functional, and spatial information, amino acid conservation, physicochemical variation, residue mobility, and thermodynamic stability) indicates that this missense variant is expected to disrupt ACAD9 protein function with a positive predictive value of 80%. In summary, the available evidence is currently insufficient to determine the role of this variant in disease. Therefore, it has been classified as a Variant of Uncertain Significance.

Women's Health and Genetics/Laboratory Corporation of America, LabCorp
Classification: Uncertain significance. Last evaluated: 2022-11-10. Review status: criteria provided, single submitter. Criteria: LabCorp Variant Classification Summary - May 2015. Collection method: clinical testing. Allele origin: germline.